The following is an entry in ClinVar:

ClinVar aggregate classification (germline): Uncertain significance (1 of 4 stars; one submission).

Allele frequency attached by ClinVar (database versions not stated): gnomAD exomes below 0.00001; gnomAD 0.00001.
gnomAD v4.1: 4 of 1,614,036 alleles (0.00025%); highest among the groups gnomAD compares: African/African-American, 0.0013%; no homozygotes.

Submission:

Ambry Genetics
Classification: Uncertain significance. Last evaluated: 2024-09-01. Review status: criteria provided, single submitter. Criteria: Ambry Variant Classification Scheme 2023. Collection method: clinical testing. Allele origin: germline.
Comment: The p.N945D variant (also known as c.2833A>G), located in coding exon 1 of the MLH3 gene, results from an A to G substitution at nucleotide position 2833. The asparagine at codon 945 is replaced by aspartic acid, an amino acid with highly similar properties. This amino acid position is conserved. In addition, this alteration is predicted to be tolerated by in silico analysis. Since supporting evidence is limited at this time, the clinical significance of this alteration remains unclear.

NM_001040108.2(MLH3):c.2833A>G (p.Asn945Asp)

Gene: MLH3 (mutL homolog 3; minus strand). Cytogenetic location: 14q24.3.
Variant type: single nucleotide variant.
Coding change: c.2833A>G on transcript NM_001040108.2 (MANE Select); coding-DNA position 2833, A replaced by G.
Protein change: p.Asn945Asp; replaces asparagine 945 with aspartic acid.
Molecular consequence: missense variant.
Genome position (GRCh38, 1-based): chr14:75,046,823, T>C on the plus strand (A>G on the coding strand, the complement: MLH3 is on the minus strand). VCF-style: chr14-75046823-T-C. GRCh37 (hg19) VCF-style: chr14-75513526-T-C.
Other names: c.2833A>G, p.Asn945Asp (NM_014381.3); short protein forms N945D.
Identifiers: ClinVar variation 1796608 (VCV001796608.3), dbSNP rs1251543200, ClinGen allele CA390438193.